The following is an entry in ClinVar:

ClinVar aggregate classification (germline): Uncertain significance (1 of 4 stars; one submission).

Conditions:
Emery-Dreifuss muscular dystrophy (EDMD). Also called: Scapuloperoneal syndrome, X-linked (formerly); Humeroperoneal neuromuscular disease, (formerly). Identifiers: Orphanet 261, MedGen C0410189, MONDO:0016830.

Submission:

Labcorp Genetics (formerly Invitae), Labcorp
Classification: Uncertain significance for Emery-Dreifuss muscular dystrophy. Last evaluated: 2022-05-04. Review status: criteria provided, single submitter. Criteria: Invitae Variant Classification Sherloc (09022015). Collection method: clinical testing. Allele origin: germline.
Comment: This sequence change replaces alanine, which is neutral and non-polar, with aspartic acid, which is acidic and polar, at codon 716 of the SUN2 protein (p.Ala716Asp). This variant is not present in population databases (gnomAD no frequency). This variant has not been reported in the literature in individuals affected with SUN2-related conditions. Algorithms developed to predict the effect of missense changes on protein structure and function (SIFT, PolyPhen-2, Align-GVGD) all suggest that this variant is likely to be tolerated. In summary, the available evidence is currently insufficient to determine the role of this variant in disease. Therefore, it has been classified as a Variant of Uncertain Significance.

NM_015374.3(SUN2):c.2147C>A (p.Ala716Asp)

Genes: GTPBP1 (GTP binding protein 1; plus strand), SUN2 (Sad1 and UNC84 domain containing 2; minus strand). Cytogenetic location: 22q13.1.
Variant type: single nucleotide variant.
Coding change: c.2147C>A on transcript NM_015374.3 (MANE Select); coding-DNA position 2147, C replaced by A.
Protein change: p.Ala716Asp; replaces alanine 716 with aspartic acid.
Molecular consequence: missense variant.
Genome position (GRCh38, 1-based): chr22:38,736,274, G>T on the plus strand (C>A on the coding strand, the complement: SUN2 is on the minus strand). VCF-style: chr22-38736274-G-T. GRCh37 (hg19) VCF-style: chr22-39132279-G-T.
Other names: c.2009C>A, p.Ala670Asp (NM_001394441.1, NM_001394439.1, NM_001394440.1); c.1748C>A, p.Ala583Asp (NM_001394442.1); c.1655C>A, p.Ala552Asp (NM_001394443.1); c.1571C>A, p.Ala524Asp (NM_001394444.1, NM_001394445.1); c.2192C>A, p.Ala731Asp (NM_001394429.1, NM_001394430.1); c.2147C>A, p.Ala716Asp (NM_001394432.1, NM_001394433.1, NM_001394434.1 and 2 more transcripts); c.2144C>A, p.Ala715Asp (NM_001394436.1, NM_001394437.1); c.2057C>A, p.Ala686Asp (NM_001394438.1); and 2 more; short protein forms A670D, A552D, A583D, A686D, A731D, A747D, A737D, A524D.
Identifiers: ClinVar variation 2133785 (VCV002133785.4), dbSNP rs2517922238, ClinGen allele CA411582333.